The following is an entry in ClinVar:

NM_000038.6(APC):c.5215A>C (p.Lys1739Gln)

Gene: APC (APC regulator of Wnt signaling pathway; plus strand). Cytogenetic location: 5q22.2.
Variant type: single nucleotide variant.
Coding change: c.5215A>C on transcript NM_000038.6 (MANE Select); coding-DNA position 5215, A replaced by C.
Protein change: p.Lys1739Gln; replaces lysine 1739 with glutamine.
Molecular consequence: missense variant.
Genome position (GRCh38, 1-based): chr5:112,840,809, A>C. VCF-style: chr5-112840809-A-C. GRCh37 (hg19) VCF-style: chr5-112176506-A-C.
Other names: c.5215A>C, p.Lys1739Gln (NM_001127510.3, NM_001354895.2); c.5161A>C, p.Lys1721Gln (NM_001127511.3); c.5269A>C, p.Lys1757Gln (NM_001354896.2); c.5245A>C, p.Lys1749Gln (NM_001354897.2); c.5140A>C, p.Lys1714Gln (NM_001354898.2); c.5131A>C, p.Lys1711Gln (NM_001354899.2); c.5092A>C, p.Lys1698Gln (NM_001354900.2); c.5038A>C, p.Lys1680Gln (NM_001354901.2); and 5 more; short protein forms K1613Q, K1721Q, K1579Q, K1680Q, K1711Q, K1456Q, K1648Q, K1698Q.
Identifiers: ClinVar variation 963303 (VCV000963303.15), dbSNP rs1765882819, ClinGen allele CA16032730.
Genomic context (GRCh38, chr5:112,840,809, plus strand): 5'-GAGGAAGGTGATATTCTTGCAGAATGCATTAATTCTGCTATGCCCAAAGGGAAAAGTCAC[A>C]AGCCTTTCCGTGTGAAAAAGATAATGGACCAGGTCCAGCAAGCATCTGCGTCTTCTTCTG-3'
Protein context (NP_000029.2, residues 1729-1749): NSAMPKGKSH[Lys1739Gln]PFRVKKIMDQ

ClinVar aggregate classification (germline): Uncertain significance. Review status: criteria provided, multiple submitters, no conflicts (2 of 4 stars). 3 submissions from 3 submitters: Uncertain significance (3). Last evaluated 2023-08-04.

Conditions:
Hereditary cancer-predisposing syndrome. Also called: Tumor predisposition; Hereditary neoplastic syndrome; Hereditary Cancer Syndrome; Neoplastic Syndromes, Hereditary. Identifiers: Orphanet 140162, MedGen C0027672, MeSH D009386, MONDO:0015356.
Familial adenomatous polyposis 1 (FAP1). Also called: FAMILIAL ADENOMATOUS POLYPOSIS 1, ATTENUATED; POLYPOSIS, ADENOMATOUS INTESTINAL. Identifiers: MedGen C2713442, MONDO:0021056, OMIM 175100. Disease mechanism: loss of function.

Allele frequency attached by ClinVar (database versions not stated): gnomAD exomes below 0.00001.
gnomAD v4.1: 1 of 1,614,132 alleles (0.000062%); highest among the groups gnomAD compares: Non-Finnish European, 0.000085%; no homozygotes.

Submissions (3):

Ambry Genetics
Classification: Uncertain significance for Hereditary cancer-predisposing syndrome. Last evaluated: 2023-08-04. Review status: criteria provided, single submitter. Criteria: Ambry Variant Classification Scheme 2023. Collection method: clinical testing. Allele origin: germline.
Comment: The p.K1739Q variant (also known as c.5215A>C), located in coding exon 15 of the APC gene, results from an A to C substitution at nucleotide position 5215. The lysine at codon 1739 is replaced by glutamine, an amino acid with similar properties. This amino acid position is highly conserved in available vertebrate species. In addition, in silico predictors for this gene do not accurately predict pathogenicity. Since supporting evidence is limited at this time, the clinical significance of this alteration remains unclear.

Color Diagnostics, LLC DBA Color Health
Classification: Uncertain significance for Hereditary cancer-predisposing syndrome. Last evaluated: 2023-03-01. Review status: criteria provided, single submitter. Criteria: ACMG Guidelines, 2015. Collection method: clinical testing. Allele origin: germline.
Comment: This missense variant replaces lysine with glutamine at codon 1739 of the APC protein. Computational prediction suggests that this variant may not impact protein structure and function (internally defined REVEL score threshold <= 0.5, PMID: 27666373). To our knowledge, functional studies have not been reported for this variant. This variant has not been reported in individuals affected with APC-related disorders in the literature. This variant has not been identified in the general population by the Genome Aggregation Database (gnomAD). The available evidence is insufficient to determine the role of this variant in disease conclusively. Therefore, this variant is classified as a Variant of Uncertain Significance.

Labcorp Genetics (formerly Invitae), Labcorp
Classification: Uncertain significance for Familial adenomatous polyposis 1. Last evaluated: 2021-08-23. Review status: criteria provided, single submitter. Criteria: Invitae Variant Classification Sherloc (09022015). Collection method: clinical testing. Allele origin: germline.
Comment: Algorithms developed to predict the effect of missense changes on protein structure and function are either unavailable or do not agree on the potential impact of this missense change (SIFT: "Deleterious"; PolyPhen-2: "Probably Damaging"; Align-GVGD: "Class C0"). In summary, the available evidence is currently insufficient to determine the role of this variant in disease. Therefore, it has been classified as a Variant of Uncertain Significance. This sequence change replaces lysine with glutamine at codon 1739 of the APC protein (p.Lys1739Gln). The lysine residue is highly conserved and there is a small physicochemical difference between lysine and glutamine. This variant is not present in population databases (ExAC no frequency). This variant has not been reported in the literature in individuals with APC-related conditions.